The following is an entry in ClinVar:

ClinVar aggregate classification (germline): Conflicting classifications of pathogenicity. Review status: criteria provided, conflicting classifications (1 of 4 stars). 3 submissions from 3 submitters: Uncertain significance (2); Likely benign (1). Last evaluated 2024-09-20.

Conditions:
Menkes kinky-hair syndrome (MNK). Also called: Classic Menkes Disease; Menkes Disease; Copper transport disease. Identifiers: Orphanet 565, MedGen C0022716, MONDO:0010651, OMIM 309400.
X-linked distal spinal muscular atrophy type 3. Also called: SPINAL MUSCULAR ATROPHY, DISTAL, X-LINKED RECESSIVE; NEURONOPATHY, DISTAL HEREDITARY MOTOR, X-LINKED; NEUROPATHY, DISTAL HEREDITARY MOTOR, X-LINKED; ATP7A-Related Distal Motor Neuropathy. Identifiers: Orphanet 139557, MedGen C1845359, MONDO:0010338, OMIM 300489.
Cutis laxa, X-linked (OHS). Also called: EDS IX; Occipital horn syndrome. Identifiers: Orphanet 198, MedGen C0268353, MONDO:0010572, OMIM 304150.

Submissions (3):

3billion
Classification: Likely benign for Menkes kinky-hair syndrome; X-linked distal spinal muscular atrophy type 3; Cutis laxa, X-linked. Last evaluated: 2024-09-20. Review status: criteria provided, single submitter. Criteria: ACMG Guidelines, 2015. Collection method: clinical testing. Allele origin: germline. Affected: no.
Comment: The hemizygous variant was found in patients with no symptoms related to the gene containing the hemizygous variant.

Baylor Genetics
Classification: Uncertain significance for Menkes kinky-hair syndrome. Last evaluated: 2020-06-03. Review status: criteria provided, single submitter. Criteria: ACMG Guidelines, 2015. Collection method: clinical testing. Allele origin: unknown. Affected: yes.
Comment: This variant was determined to be of uncertain significance according to ACMG Guidelines, 2015 [PMID:25741868].

Mayo Clinic Laboratories, Mayo Clinic
Classification: Uncertain significance. Last evaluated: 2019-06-03. Review status: criteria provided, single submitter. Criteria: ACMG Guidelines, 2015. Collection method: clinical testing. Allele origin: germline. Observed: 1 variant allele.

NM_000052.7(ATP7A):c.3103G>A (p.Ala1035Thr)

Gene: ATP7A (ATPase copper transporting alpha; plus strand). Cytogenetic location: Xq21.1.
Variant type: single nucleotide variant.
Coding change: c.3103G>A on transcript NM_000052.7 (MANE Select); coding-DNA position 3103, G replaced by A.
Protein change: p.Ala1035Thr; replaces alanine 1035 with threonine.
Molecular consequence: missense variant.
Genome position (GRCh38, 1-based): chrX:78,029,436, G>A. VCF-style: chrX-78029436-G-A. GRCh37 (hg19) VCF-style: chrX-77284933-G-A.
Other names: c.2869G>A, p.Ala957Thr (NM_001282224.2); short protein forms A957T, A1035T.
Identifiers: ClinVar variation 1029451 (VCV001029451.7), dbSNP rs2077968562, ClinGen allele CA413603393.